The following is an entry in ClinVar:

NM_173728.4(ARHGEF15):c.2441A>G (p.Glu814Gly)

Gene: ARHGEF15 (Rho guanine nucleotide exchange factor 15; plus strand). Cytogenetic location: 17p13.1.
Variant type: single nucleotide variant.
Coding change: c.2441A>G on transcript NM_173728.4 (MANE Select); coding-DNA position 2441, A replaced by G.
Protein change: p.Glu814Gly; replaces glutamic acid 814 with glycine.
Molecular consequence: missense variant.
Genome position (GRCh38, 1-based): chr17:8,320,908, A>G. VCF-style: chr17-8320908-A-G. GRCh37 (hg19) VCF-style: chr17-8224226-A-G.
Other names: c.2441A>G, p.Glu814Gly (NM_025014.2); short protein forms E814G.
Identifiers: ClinVar variation 1011078 (VCV001011078.9), dbSNP rs763375022, ClinGen allele CA8375536.

ClinVar aggregate classification (germline): Uncertain significance (1 of 4 stars; one submission).

Conditions:
Early-infantile DEE. Also called: Early infantile epileptic encephalopathy with suppression bursts; Early infantile epileptic encephalopathy; Ohtahara syndrome. Identifiers: Orphanet 1934, MedGen C0393706, MONDO:0800491.

Allele frequency attached by ClinVar (database versions not stated): TOPMed 0.00001.

Submission:

Labcorp Genetics (formerly Invitae), Labcorp
Classification: Uncertain significance for Early-infantile DEE. Last evaluated: 2024-07-15. Review status: criteria provided, single submitter. Criteria: Invitae Variant Classification Sherloc (09022015). Collection method: clinical testing. Allele origin: germline.
Comment: This sequence change replaces glutamic acid, which is acidic and polar, with glycine, which is neutral and non-polar, at codon 814 of the ARHGEF15 protein (p.Glu814Gly). This variant is present in population databases (rs763375022, gnomAD 0.0009%). This variant has not been reported in the literature in individuals affected with ARHGEF15-related conditions. ClinVar contains an entry for this variant (Variation ID: 1011078). An algorithm developed to predict the effect of missense changes on protein structure and function (PolyPhen-2) suggests that this variant is likely to be tolerated. In summary, the available evidence is currently insufficient to determine the role of this variant in disease. Therefore, it has been classified as a Variant of Uncertain Significance.